The following is an entry in ClinVar:

ClinVar aggregate classification (germline): Uncertain significance. Review status: criteria provided, multiple submitters, no conflicts (2 of 4 stars). 3 submissions from 3 submitters: Uncertain significance (3). Last evaluated 2025-02-12.

Conditions:
Cardiovascular phenotype. Identifiers: MedGen CN230736.
Hereditary cancer-predisposing syndrome. Also called: Hereditary neoplastic syndrome; Tumor predisposition; Neoplastic Syndromes, Hereditary; Hereditary Cancer Syndrome. Identifiers: Orphanet 140162, MedGen C0027672, MeSH D009386, MONDO:0015356.

Allele frequency attached by ClinVar (database versions not stated): TOPMed below 0.00001; gnomAD 0.00001.
gnomAD v4.1: 6 of 1,613,836 alleles (0.00037%); highest among the groups gnomAD compares: Non-Finnish European, 0.00051%; no homozygotes.

Submissions (3):

Labcorp Genetics (formerly Invitae), Labcorp
Classification: Uncertain significance. Last evaluated: 2025-02-12. Review status: criteria provided, single submitter. Criteria: Invitae Variant Classification Sherloc (09022015). Collection method: clinical testing. Allele origin: germline.
Comment: This sequence change replaces arginine, which is basic and polar, with glutamine, which is neutral and polar, at codon 355 of the LZTR1 protein (p.Arg355Gln). This variant is not present in population databases (gnomAD no frequency). This variant has not been reported in the literature in individuals affected with LZTR1-related conditions. ClinVar contains an entry for this variant (Variation ID: 1501991). Invitae Evidence Modeling of protein sequence and biophysical properties (such as structural, functional, and spatial information, amino acid conservation, physicochemical variation, residue mobility, and thermodynamic stability) indicates that this missense variant is not expected to disrupt LZTR1 protein function with a negative predictive value of 80%. In summary, the available evidence is currently insufficient to determine the role of this variant in disease. Therefore, it has been classified as a Variant of Uncertain Significance.

GeneDx
Classification: Uncertain significance. Last evaluated: 2024-08-22. Review status: criteria provided, single submitter. Criteria: GeneDx Variant Classification Process June 2021. Collection method: clinical testing. Allele origin: germline. Affected: yes.
Comment: Not observed at significant frequency in large population cohorts (gnomAD); In silico analysis indicates that this missense variant does not alter protein structure/function; Has not been previously published as pathogenic or benign to our knowledge

Ambry Genetics
Classification: Uncertain significance for Cardiovascular phenotype; Hereditary cancer-predisposing syndrome. Last evaluated: 2023-08-07. Review status: criteria provided, single submitter. Criteria: Ambry Variant Classification Scheme 2023. Collection method: clinical testing. Allele origin: germline.
Comment: The p.R355Q variant (also known as c.1064G>A), located in coding exon 10 of the LZTR1 gene, results from a G to A substitution at nucleotide position 1064. The arginine at codon 355 is replaced by glutamine, an amino acid with highly similar properties. This amino acid position is conserved. In addition, this alteration is predicted to be tolerated by in silico analysis. Since supporting evidence is limited at this time, the clinical significance of this alteration remains unclear.

NM_006767.4(LZTR1):c.1064G>A (p.Arg355Gln)

Gene: LZTR1 (leucine zipper like post translational regulator 1; plus strand). Cytogenetic location: 22q11.21.
Variant type: single nucleotide variant.
Coding change: c.1064G>A on transcript NM_006767.4 (MANE Select); coding-DNA position 1064, G replaced by A.
Protein change: p.Arg355Gln; replaces arginine 355 with glutamine.
Molecular consequence: missense variant.
Genome position (GRCh38, 1-based): chr22:20,992,284, G>A. VCF-style: chr22-20992284-G-A. GRCh37 (hg19) VCF-style: chr22-21346573-G-A.
Other names: c.1064G>A (NM_006767.3); short protein forms R355Q.
Identifiers: ClinVar variation 1501991 (VCV001501991.8), dbSNP rs1169088155, ClinGen allele CA410781937.